The following is an entry in ClinVar:

NM_001070.5(TUBG1):c.360CAT[1] (p.Ile122del)

Gene: TUBG1 (tubulin gamma 1; plus strand). Cytogenetic location: 17q21.2.
Variant type: Microsatellite.
Coding change: c.360CAT[1] on transcript NM_001070.5 (MANE Select); one copy of the 3-base unit CAT starting at c.360; the reference has two copies in a row; one copy, 3 bases deleted.
Protein change: p.Ile122del; deletes isoleucine 122.
Molecular consequence: inframe deletion.
Genome position (GRCh38, 1-based): chr17:42,612,107-42,612,109, CAT deleted; deleting any 3 consecutive bases within chr17:42,612,104-42,612,109 gives the same sequence; the position shown is the placement nearest the transcript's 3' end. VCF-style (leftmost placement, unchanged base first): chr17-42612103-ACAT-A. GRCh37 (hg19) VCF-style: chr17-40764121-ACAT-A.
Other names: short protein forms I122del.
Identifiers: ClinVar variation 4727582 (VCV004727582.1).

ClinVar aggregate classification (germline): Uncertain significance (1 of 4 stars; one submission).

Submission:

Labcorp Genetics (formerly Invitae), Labcorp
Classification: Uncertain significance. Last evaluated: 2025-09-21. Review status: criteria provided, single submitter. Criteria: Invitae Variant Classification Sherloc (09022015). Collection method: clinical testing. Allele origin: germline.
Comment: This variant, c.363_365del, results in the deletion of 1 amino acid(s) of the TUBG1 protein (p.Ile122del), but otherwise preserves the integrity of the reading frame. This variant is not present in population databases (gnomAD no frequency). This variant has not been reported in the literature in individuals affected with TUBG1-related conditions. In summary, the available evidence is currently insufficient to determine the role of this variant in disease. Therefore, it has been classified as a Variant of Uncertain Significance.